The following is an entry in ClinVar:

ClinVar aggregate classification (germline): Uncertain significance (1 of 4 stars; one submission).

Allele frequency attached by ClinVar (database versions not stated): ExAC 0.00001; gnomAD 0.00001; TOPMed 0.00001.
gnomAD v4.1: 4 of 1,613,690 alleles (0.00025%); highest among the groups gnomAD compares: African/African-American, 0.004%; no homozygotes.

Submission:

Labcorp Genetics (formerly Invitae), Labcorp
Classification: Uncertain significance. Last evaluated: 2022-11-01. Review status: criteria provided, single submitter. Criteria: Invitae Variant Classification Sherloc (09022015). Collection method: clinical testing. Allele origin: germline.
Comment: In summary, the available evidence is currently insufficient to determine the role of this variant in disease. Therefore, it has been classified as a Variant of Uncertain Significance. Algorithms developed to predict the effect of missense changes on protein structure and function are either unavailable or do not agree on the potential impact of this missense change (SIFT: "Not Available"; PolyPhen-2: "Probably Damaging"; Align-GVGD: "Not Available"). This variant has not been reported in the literature in individuals affected with ADAMTS18-related conditions. This variant is present in population databases (rs755101266, gnomAD 0.0009%). This sequence change replaces valine, which is neutral and non-polar, with isoleucine, which is neutral and non-polar, at codon 908 of the ADAMTS18 protein (p.Val908Ile).

NM_199355.4(ADAMTS18):c.2722G>A (p.Val908Ile)

Gene: ADAMTS18 (ADAM metallopeptidase with thrombospondin type 1 motif 18; minus strand). Cytogenetic location: 16q23.1.
Variant type: single nucleotide variant.
Coding change: c.2722G>A on transcript NM_199355.4 (MANE Select); coding-DNA position 2722, G replaced by A.
Protein change: p.Val908Ile; replaces valine 908 with isoleucine.
Molecular consequence: missense variant.
Genome position (GRCh38, 1-based): chr16:77,297,368, C>T on the plus strand (G>A on the coding strand, the complement: ADAMTS18 is on the minus strand). VCF-style: chr16-77297368-C-T. GRCh37 (hg19) VCF-style: chr16-77331265-C-T.
Other names: c.2206G>A, p.Val736Ile (NM_001326358.2); short protein forms V736I, V908I.
Identifiers: ClinVar variation 1920822 (VCV001920822.5), dbSNP rs755101266, ClinGen allele CA8180769.